The following is an entry in ClinVar:

ClinVar aggregate classification (germline): Uncertain significance (0 of 4 stars; one submission).

Conditions:
GLI3-related disorder. Also called: GLI3-related condition; GLI3-related disorders. Identifiers: MedGen CN239292.

gnomAD v4.1: 1 of 1,614,174 alleles (0.000062%); highest among the groups gnomAD compares: Non-Finnish European, 0.000085%; no homozygotes.

Submission:

PreventionGenetics, part of Exact Sciences
Classification: Uncertain significance for GLI3-related condition. Last evaluated: 2023-12-06. Review status: no assertion criteria provided. Collection method: clinical testing. Allele origin: germline.
Comment: The GLI3 c.1777C>A variant is predicted to result in the amino acid substitution p.Arg593Ser. To our knowledge, this variant has not been reported in the literature or in a large population database, indicating this variant is rare. Although we suspect that this variant may be pathogenic, at this time, the clinical significance of this variant is uncertain due to the absence of conclusive functional and genetic evidence.

NM_000168.6(GLI3):c.1777C>A (p.Arg593Ser)

Gene: GLI3 (GLI family zinc finger 3; minus strand). Cytogenetic location: 7p14.1.
Variant type: single nucleotide variant.
Coding change: c.1777C>A on transcript NM_000168.6 (MANE Select); coding-DNA position 1777, C replaced by A.
Protein change: p.Arg593Ser; replaces arginine 593 with serine.
Molecular consequence: missense variant.
Genome position (GRCh38, 1-based): chr7:41,977,593, G>T on the plus strand (C>A on the coding strand, the complement: GLI3 is on the minus strand). VCF-style: chr7-41977593-G-T. GRCh37 (hg19) VCF-style: chr7-42017192-G-T.
Other names: short protein forms R593S.
Identifiers: ClinVar variation 2634859 (VCV002634859.3), dbSNP rs1787545027, ClinGen allele CA367324481.
Genomic context (GRCh38, chr7:41,977,593, plus strand): 5'-CTCCATGCCCACTGAGGATGCTTACCTCATTGGAATGCGTTCTGTTTTGGTGTTTGGCGC[G>T]ATCAGAGGCATTTGAGAAAGCCTTGTTGCAACCTTCGTGCTCACAGACGTATGGTTTCTC-3'
Protein context (NP_000159.3, residues 583-603): CNKAFSNASD[Arg593Ser]AKHQNRTHSN